The following is an entry in ClinVar:

ClinVar aggregate classification (germline): Uncertain significance (1 of 4 stars; one submission).

gnomAD v4.1: 1 of 1,605,566 alleles (0.000062%); highest among the groups gnomAD compares: Non-Finnish European, 0.000085%; no homozygotes.

Submission:

GeneDx
Classification: Uncertain significance. Last evaluated: 2025-08-11. Review status: criteria provided, single submitter. Criteria: GeneDx Variant Classification Process June 2021. Collection method: clinical testing. Allele origin: germline. Affected: yes.
Comment: Has not been previously published as pathogenic or benign to our knowledge; Not observed at significant frequency in large population cohorts (gnomAD); In silico analysis suggests that this missense variant does not alter protein structure/function; Also known as p.(A350S)

NM_020778.5(ALPK3):c.442G>T (p.Ala148Ser)

Gene: ALPK3 (alpha kinase 3; plus strand). Cytogenetic location: 15q25.3.
Variant type: single nucleotide variant.
Coding change: c.442G>T on transcript NM_020778.5 (MANE Select); coding-DNA position 442, G replaced by T.
Protein change: p.Ala148Ser; replaces alanine 148 with serine.
Molecular consequence: missense variant.
Genome position (GRCh38, 1-based): chr15:84,839,721, G>T. VCF-style: chr15-84839721-G-T. GRCh37 (hg19) VCF-style: chr15-85382952-G-T.
Other names: short protein forms A148S.
Identifiers: ClinVar variation 4795435 (VCV004795435.1).
Genomic context (GRCh38, chr15:84,839,721, plus strand): 5'-CCCAGGAGGGGAGAGGTGGCACCTCCCGCTCCTACCTCTAGGTGTCGAGAAGAAGATGCC[G>T]CCATCTACCAGGCCTCTGCCCAGAACAGCAAGGGCATTGTGTCCTGCTCAGGGGTCCTGG-3'
Protein context (NP_065829.4, residues 138-158): QLYRCREEDA[Ala148Ser]IYQASAQNSK